The following is an entry in ClinVar:

NM_015136.3(STAB1):c.6403C>G (p.Pro2135Ala)

Gene: STAB1 (stabilin 1; plus strand). Cytogenetic location: 3p21.1.
Variant type: single nucleotide variant.
Coding change: c.6403C>G on transcript NM_015136.3 (MANE Select); coding-DNA position 6403, C replaced by G.
Protein change: p.Pro2135Ala; replaces proline 2135 with alanine.
Molecular consequence: missense variant.
Genome position (GRCh38, 1-based): chr3:52,522,168, C>G. VCF-style: chr3-52522168-C-G. GRCh37 (hg19) VCF-style: chr3-52556184-C-G.
Other names: short protein forms P2135A.
Identifiers: ClinVar variation 781831 (VCV000781831.29), dbSNP rs143242234, ClinGen allele CA2442606.

ClinVar aggregate classification (germline): Benign/Likely benign. Review status: criteria provided, multiple submitters, no conflicts (2 of 4 stars). 3 submissions from 3 submitters: Benign (2); Likely benign (1). Last evaluated 2024-06-01.

Allele frequency attached by ClinVar (database versions not stated): 1000 Genomes Project 30x 0.00016; 1000 Genomes Project 0.00020; gnomAD exomes 0.00053 and 0.00099; gnomAD 0.00059 and 0.00060; TOPMed 0.00065; ExAC 0.00092; ESP Exome Variant Server 0.00100.
gnomAD v4.1: 933 of 1,612,778 alleles (0.058%); highest among the groups gnomAD compares: Middle Eastern, 0.69%; 6 homozygotes.

Submissions (3):

CeGaT Center for Human Genetics Tuebingen
Classification: Likely benign. Last evaluated: 2024-06-01. Review status: criteria provided, single submitter. Criteria: CeGaT Center For Human Genetics Tuebingen Variant Classification Criteria Version 2. Collection method: clinical testing. Allele origin: germline. Affected: yes. Observed: 2 variant alleles.
Comment: STAB1: BS2

Labcorp Genetics (formerly Invitae), Labcorp
Classification: Benign. Last evaluated: 2019-12-31. Review status: criteria provided, single submitter. Criteria: Invitae Variant Classification Sherloc (09022015). Collection method: clinical testing. Allele origin: germline.

Breakthrough Genomics
Classification: Benign. Review status: criteria provided, single submitter. Criteria: ACMG Guidelines, 2015. Collection method: not provided. Allele origin: germline. Inheritance: Unknown mechanism. Affected: yes.